The following is an entry in ClinVar:

NM_001267550.2(TTN):c.49795G>A (p.Val16599Ile)

Genes: TTN (titin; minus strand), TTN-AS1 (TTN antisense RNA 1; plus strand). Cytogenetic location: 2q31.2.
Variant type: single nucleotide variant.
Coding change: c.49795G>A on transcript NM_001267550.2 (MANE Select); coding-DNA position 49795, G replaced by A.
Protein change: p.Val16599Ile; replaces valine 16599 with isoleucine.
Molecular consequence: missense variant.
Genome position (GRCh38, 1-based): chr2:178,612,926, C>T on the plus strand (G>A on the coding strand, the complement: TTN is on the minus strand). VCF-style: chr2-178612926-C-T. GRCh37 (hg19) VCF-style: chr2-179477653-C-T.
Other names: c.49795G>A (NM_001267550.1); c.44872G>A, p.Val14958Ile (NM_001256850.1); c.22600G>A, p.Val7534Ile (NM_003319.4); c.42091G>A, p.Val14031Ile (NM_133378.4); c.22975G>A, p.Val7659Ile (NM_133432.3); c.23176G>A, p.Val7726Ile (NM_133437.4); short protein forms V14958I, V16599I, V7726I, V7534I, V7659I, V14031I.
Identifiers: ClinVar variation 514496 (VCV000514496.2), dbSNP rs1553699620, ClinGen allele CA349600986.

ClinVar aggregate classification (germline): Conflicting classifications of pathogenicity. Review status: criteria provided, conflicting classifications (1 of 4 stars). 2 submissions from 2 submitters: Uncertain significance (1); Likely benign (1). Last evaluated 2025-08-25.

Allele frequency attached by ClinVar (database versions not stated): gnomAD exomes below 0.00001.
gnomAD v4.1: 4 of 1,612,722 alleles (0.00025%); highest among the groups gnomAD compares: Non-Finnish European, 0.00034%; no homozygotes.

Submissions (2):

Athena Diagnostics
Classification: Uncertain significance. Last evaluated: 2025-08-25. Review status: criteria provided, single submitter. Criteria: Athena Diagnostics Criteria. Collection method: clinical testing. Allele origin: unknown.
Comment: Available data are insufficient to determine the clinical significance of the variant at this time. This variant has not been reported in large, multi-ethnic general populations. Polyphen and MutationTaster predict this amino acid change may be benign.

GeneDx
Classification: Likely benign. Last evaluated: 2018-01-02. Review status: criteria provided, single submitter. Criteria: GeneDx Variant Classification (06012015). Collection method: clinical testing. Allele origin: germline. Affected: yes.
Comment: This variant is considered likely benign or benign based on one or more of the following criteria: it is a conservative change, it occurs at a poorly conserved position in the protein, it is predicted to be benign by multiple in silico algorithms, and/or has population frequency not consistent with disease.